The following is an entry in ClinVar:

NM_016507.4(CDK12):c.4403A>G (p.Tyr1468Cys)

Gene: CDK12 (cyclin dependent kinase 12; plus strand). Cytogenetic location: 17q12.
Variant type: single nucleotide variant.
Coding change: c.4403A>G on transcript NM_016507.4 (MANE Select); coding-DNA position 4403, A replaced by G.
Protein change: p.Tyr1468Cys; replaces tyrosine 1468 with cysteine.
Molecular consequence: missense variant.
Genome position (GRCh38, 1-based): chr17:39,531,246, A>G. VCF-style: chr17-39531246-A-G. GRCh37 (hg19) VCF-style: chr17-37687499-A-G.
Other names: c.4376A>G, p.Tyr1459Cys (NM_015083.4); short protein forms Y1459C, Y1468C.
Identifiers: ClinVar variation 3489292 (VCV003489292.1).
Genomic context (GRCh38, chr17:39,531,246, plus strand): 5'-CTGGGGCCAGCAGCTCAGGAGCAGGCCTTCACTGGGGGGGCCCAACTCAGTCTTCTGCTT[A>G]TGGAAAACTCTATCGGGGGCCTACAAGAGTCCCACCAAGAGGGGGAAGAGGGAGAGGAGT-3'
Protein context (NP_057591.2, residues 1458-1478): HWGGPTQSSA[Tyr1468Cys]GKLYRGPTRV

ClinVar aggregate classification (germline): Uncertain significance (1 of 4 stars; one submission).

gnomAD v4.1: 3 of 1,513,194 alleles (0.0002%); highest among the groups gnomAD compares: Non-Finnish European, 0.00026%; no homozygotes.

Submission:

Ambry Genetics
Classification: Uncertain significance. Last evaluated: 2024-11-25. Review status: criteria provided, single submitter. Criteria: Ambry Variant Classification Scheme 2023. Collection method: clinical testing. Allele origin: germline.
Comment: The p.Y1468C variant (also known as c.4403A>G), located in coding exon 14 of the CDK12 gene, results from an A to G substitution at nucleotide position 4403. The tyrosine at codon 1468 is replaced by cysteine, an amino acid with highly dissimilar properties. This amino acid position is conserved. In addition, the in silico prediction for this alteration is inconclusive. Based on the available evidence, the clinical significance of this variant remains unclear.